The following is an entry in ClinVar:

NM_000540.3(RYR1):c.7209C>T (p.Arg2403=)

Gene: RYR1 (ryanodine receptor 1; plus strand). Cytogenetic location: 19q13.2.
Variant type: single nucleotide variant.
Coding change: c.7209C>T on transcript NM_000540.3 (MANE Select); coding-DNA position 7209, C replaced by T.
Protein change: p.Arg2403=; no amino-acid change (arginine 2403 retained).
Molecular consequence: synonymous variant.
Genome position (GRCh38, 1-based): chr19:38,499,816, C>T. VCF-style: chr19-38499816-C-T. GRCh37 (hg19) VCF-style: chr19-38990456-C-T.
Other names: p.Arg2403=; c.7209C>T, p.Arg2403= (NM_001042723.2).
Identifiers: ClinVar variation 133190 (VCV000133190.31), dbSNP rs78795178, ClinGen allele CA024721.

ClinVar aggregate classification (germline): Benign. Review status: criteria provided, multiple submitters, no conflicts (2 of 4 stars). 16 submissions from 15 submitters: Benign (13). 3 of the submissions do not count toward it. Last evaluated 2026-02-04.

Conditions:
RYR1-related disorder. Also called: RYR1-related disorders; RYR1-related condition. Identifiers: MedGen CN239331.
Malignant hyperthermia, susceptibility to, 1 (MHS1). Also called: Anesthesia related hyperthermia; Malignant hyperpyrexia; Fulminating hyperpyrexia; Pharmacogenic myopathy; Malignant hyperthermia suceptibility 1; RYR1-Related Malignant Hyperthermia Susceptibility. Identifiers: Orphanet 423, MedGen C2930980, MONDO:0007783, OMIM 145600.
Congenital multicore myopathy with external ophthalmoplegia (CMYO1B). Also called: Minicore myopathy with external ophthalmoplegia; MULTIMINICORE DISEASE WITH EXTERNAL OPHTHALMOPLEGIA; MULTICORE MYOPATHY; Congenital myopathy 1B, autosomal recessive; Minicore myopathy. Identifiers: Orphanet 598, Orphanet 98905, MedGen C1850674, MONDO:0009712, OMIM 255320, HP:0003789.

Allele frequency attached by ClinVar (database versions not stated): ESP Exome Variant Server 0.00015; gnomAD 0.00417 and 0.00637; TOPMed 0.00703; ExAC 0.01540; 1000 Genomes Project 30x 0.03451; 1000 Genomes Project 0.03874.
gnomAD v4.1: 10,684 of 1,606,338 alleles (0.67%); highest among the groups gnomAD compares: East Asian, 21%; 1,116 homozygotes.

Submissions (16):

Labcorp Genetics (formerly Invitae), Labcorp
Classification: Benign for RYR1-related disorder. Last evaluated: 2026-02-04. Review status: criteria provided, single submitter. Criteria: Invitae Variant Classification Sherloc (09022015). Collection method: clinical testing. Allele origin: germline.

Blueprint Genetics
Classification: Benign. Last evaluated: 2024-11-27. Review status: criteria provided, single submitter. Criteria: ACMG Guidelines, 2015. Collection method: clinical testing. Allele origin: germline.

Mayo Clinic Laboratories, Mayo Clinic
Classification: Benign. Last evaluated: 2024-10-22. Review status: criteria provided, single submitter. Criteria: ACMG Guidelines, 2015. Collection method: clinical testing. Allele origin: germline. Observed: 4 variant alleles.
Comment: BS1, BS2, BP4, BP7

Color Diagnostics, LLC DBA Color Health
Classification: Benign for Malignant hyperthermia, susceptibility to, 1. Last evaluated: 2022-09-16. Review status: criteria provided, single submitter. Criteria: ACMG Guidelines, 2015. Collection method: clinical testing. Allele origin: germline.

Mendelics
Classification: Benign for Malignant hyperthermia, susceptibility to, 1. Last evaluated: 2019-05-28. Review status: criteria provided, single submitter. Criteria: Mendelics Assertion Criteria 2017. Collection method: clinical testing. Allele origin: unknown.

Illumina Laboratory Services, Illumina
Classification: Benign for Malignant hyperthermia, susceptibility to, 1. Last evaluated: 2018-01-12. Review status: criteria provided, single submitter. Criteria: ICSL Variant Classification Criteria 13 December 2019. Collection method: clinical testing. Allele origin: germline.
Comment: This variant was observed in the ICSL laboratory as part of a predisposition screen in an ostensibly healthy population. It had not been previously curated by ICSL or reported in the Human Gene Mutation Database (HGMD: prior to June 1st, 2018), and was therefore a candidate for classification through an automated scoring system. Utilizing variant allele frequency, disease prevalence and penetrance estimates, and inheritance mode, an automated score was calculated to assess if this variant is too frequent to cause the disease. Based on the score and internal cut-off values, a variant classified as benign is not then subjected to further curation. The score for this variant resulted in a classification of benign for this disease.

Illumina Laboratory Services, Illumina
Classification: Benign for Congenital multicore myopathy with external ophthalmoplegia. Last evaluated: 2018-01-12. Review status: criteria provided, single submitter. Criteria: ICSL Variant Classification Criteria 13 December 2019. Collection method: clinical testing. Allele origin: germline.
Comment: the same text as in the submission from Illumina Laboratory Services, Illumina above.

PreventionGenetics, part of Exact Sciences
Classification: Benign. Last evaluated: 2017-11-08. Review status: criteria provided, single submitter. Criteria: ACMG Guidelines, 2015. Collection method: clinical testing. Allele origin: germline.

Athena Diagnostics
Classification: Benign. Last evaluated: 2017-06-16. Review status: criteria provided, single submitter. Criteria: Athena Diagnostics Criteria. Collection method: clinical testing. Allele origin: germline.

GeneDx
Classification: Benign. Last evaluated: 2016-08-17. Review status: criteria provided, single submitter. Criteria: GeneDx Variant Classification (06012015). Collection method: clinical testing. Allele origin: germline. Affected: yes.
Comment: This variant is considered likely benign or benign based on one or more of the following criteria: it is a conservative change, it occurs at a poorly conserved position in the protein, it is predicted to be benign by multiple in silico algorithms, and/or has population frequency not consistent with disease.

Eurofins Ntd Llc (ga)
Classification: Benign. Last evaluated: 2014-11-06. Review status: criteria provided, single submitter. Criteria: EGL Classification Definitions 2015. Collection method: clinical testing. Allele origin: germline. Observed: 1 variant allele, 1 heterozygote.

Genetic Services Laboratory, University of Chicago
Classification: Benign. Last evaluated: 2013-02-08. Review status: criteria provided, single submitter. Criteria: ACMG Guidelines, 2007. Collection method: clinical testing. Allele origin: germline. Inheritance: Autosomal unknown.

Breakthrough Genomics
Classification: Benign. Review status: criteria provided, single submitter. Criteria: ACMG Guidelines, 2015. Collection method: not provided. Allele origin: germline. Inheritance: Autosomal recessive inheritance. Affected: yes.

Joint Genome Diagnostic Labs from Nijmegen and Maastricht, Radboudumc and MUMC+
Classification: Benign. Review status: no assertion criteria provided. Collection method: clinical testing. Allele origin: germline. Affected: yes. Study: VKGL Data-share Consensus. Not counted in ClinVar's aggregate classification.

Laboratory of Diagnostic Genome Analysis, Leiden University Medical Center (LUMC)
Classification: Likely benign. Review status: no assertion criteria provided. Collection method: clinical testing. Allele origin: germline. Affected: yes. Study: VKGL Data-share Consensus. Not counted in ClinVar's aggregate classification.

RYR1 database
No classification provided. Review status: no classification provided. Collection method: not provided. Allele origin: unknown. Not counted in ClinVar's aggregate classification.

Literature cited by the submitters: PubMed 25960145 (cited by Mayo Clinic Laboratories, Mayo Clinic and Athena Diagnostics); PubMed 31180159 (cited by Mayo Clinic Laboratories, Mayo Clinic).